The following is an entry in ClinVar:

ClinVar aggregate classification (germline): Uncertain significance (1 of 4 stars; one submission).

gnomAD v4.1: 10 of 1,613,964 alleles (0.00062%); highest among the groups gnomAD compares: Non-Finnish European, 0.00085%; no homozygotes.

Submission:

Labcorp Genetics (formerly Invitae), Labcorp
Classification: Uncertain significance. Last evaluated: 2023-08-09. Review status: criteria provided, single submitter. Criteria: Invitae Variant Classification Sherloc (09022015). Collection method: clinical testing. Allele origin: germline.
Comment: In summary, the available evidence is currently insufficient to determine the role of this variant in disease. Therefore, it has been classified as a Variant of Uncertain Significance. Algorithms developed to predict the effect of sequence changes on RNA splicing suggest that this variant may create or strengthen a splice site. This variant has not been reported in the literature in individuals affected with NSD1-related conditions. This variant is not present in population databases (gnomAD no frequency). This sequence change falls in intron 2 of the NSD1 gene. It does not directly change the encoded amino acid sequence of the NSD1 protein.

NM_022455.5(NSD1):c.928-4A>G

Gene: NSD1 (nuclear receptor binding SET domain protein 1; plus strand). Cytogenetic location: 5q35.3.
Variant type: single nucleotide variant.
Coding change: c.928-4A>G on transcript NM_022455.5 (MANE Select); 4 bases into the intron before coding-DNA position 928, A replaced by G.
Molecular consequence: intron variant.
Genome position (GRCh38, 1-based): chr5:177,191,880, A>G. VCF-style: chr5-177191880-A-G. GRCh37 (hg19) VCF-style: chr5-176618881-A-G.
Other names: c.928-4A>G (NM_001409301.1, NM_001409302.1, NM_001409303.1); c.508-4A>G (NM_001409304.1); c.55-4A>G (NM_001409305.1, NM_001409306.1, NM_001409308.1 and 4 more transcripts).
Identifiers: ClinVar variation 3712182 (VCV003712182.2).